The following is an entry in ClinVar:

ClinVar aggregate classification (germline): Likely pathogenic. Review status: reviewed by expert panel (3 of 4 stars). 5 submissions from 4 submitters: Likely pathogenic (1). 4 of the submissions do not count toward it. Last evaluated 2022-08-08.

Conditions:
Mitochondrial disease. Also called: Mitochondrial disorder; Mitochondrial disorders. Identifiers: Orphanet 68380, MedGen C0751651, MeSH D028361, MONDO:0044970.
MERRF syndrome (MERRF). Also called: Myoclonus with epilepsy with ragged red fibers; Myoencephalopathy ragged-red fiber disease; MYOCLONIC EPILEPSY ASSOCIATED WITH RAGGED-RED FIBERS. Identifiers: Orphanet 551, MedGen C0162672, MONDO:0010790, OMIM 545000.
Diabetes mellitus, noninsulin-dependent, maternally transmitted. Identifiers: MedGen C4017627.
MELAS syndrome (MELAS). Also called: Juvenile myopathy, encephalopathy, lactic acidosis, stroke. Identifiers: Orphanet 550, MedGen C0162671, MONDO:0010789, OMIM 540000.

Submissions (5):

ClinGen Mitochondrial Disease Nuclear and Mitochondrial  Variant Curation Expert Panel, ClinGen
Classification: Likely pathogenic for Mitochondrial disease. Last evaluated: 2022-08-08. Review status: reviewed by expert panel. Criteria: McCormick et al. (Hum Mutat. 2020). Collection method: curation. Allele origin: germline. Inheritance: Mitochondrial inheritance.
Comment: The m.3256C>T variant in MT-TL1 has been reported in four individuals in the literature and an additional four cases were seen by experts on this panel. Affected individuals had primary mitochondrial disease with variable features including MELAS (mitochondrial encephalomyopathy, lactic acidosis, and stroke-like episodes) phenotype, neurologic involvement (neurodegeneration/dementia, stroke-like episodes, recurrent encephalopathy, seizures, ataxia, myoclonus); neuromuscular involvement (muscle atrophy, progressive myopathy); cardiac involvement (cardiac failure); ophthalmologic involvement (ophthalmoplegia, ptosis, central vision loss); ENT involvement (hearing loss); endocrine involvement (hashimoto thyroiditis, diabetes mellitus); lab abnormalities (elevated blood and CSF lactate and pyruvate); and brain imaging findings (progressive brain atrophy); with heteroplasmy levels in multiple tissues ranging from 8% - 98% (PS4_moderate; PMIDs: 19941338, 10953207, 7804130, 8254046). This variant segregated with disease in a single reported family as the proband’s healthy sister had undetectable levels of variant in blood; the proband’s mother was decreased; and the proband was heteroplasmic for the variant in numerous tissues: 64% (muscle), 8% (white blood cells), 48% (first passage cultured fibroblasts), and 18% (hair roots) (PP1; PMID: 8254046). There are no reports of de novo occurrences of this variant to our knowledge. Ragged red fiber (RRF) analysis in muscle noted only partially impaired COX activity. However, when analyzed for levels of mutant genomes, RRFs were essentially homoplasmic for mutant mtDNAs (range 94-97%). Normal (non-RRFs) had much lower levels of mutant genomes (34-75%). The percentage of mutant mtDNA in total the muscle was 64% (PS3_supporting: PMID: 8254046). This variant is absent from Mitomap's 51,863 sequences (AF=0.00%); Helix's 196,554 sequences (AF=0.00%); and gnomAD v3.1.2 (PM2_supporting). The computational predictor MitoTIP suggests this variant impacts the function of this tRNA with a score of 93.70%, as does HmtVar with a score of 0.75 (PP3). In summary, this variant meets criteria to be classified as likely pathogenic for primary mitochondrial disease inherited in a mitochondrial manner. We note that some experts on this panel voted for a classification of pathogenic given the overwhelming evidence of pathogenicity (strong single fiber studies, absent in population databases and present in eight individuals with features of primary mitochondrial disease). This classification was approved by the NICHD/NINDS U24 ClinGen Mitochondrial Disease Variant Curation Expert Panel on August 8, 2022. Mitochondrial DNA-specific ACMG/AMP criteria applied (PMID: 32906214): PS4_moderate, PM2_supporting, PP3, PP1, PS3_supporting

Wong Mito Lab, Molecular and Human Genetics, Baylor College of Medicine
Classification: Pathogenic for MELAS syndrome. Last evaluated: 2019-07-12. Review status: criteria provided, single submitter. Criteria: Modified ACMG Guidelines (Unpublished). Collection method: clinical testing. Allele origin: germline. Not counted in ClinVar's aggregate classification.
Comment: The NC_012920.1:m.3256C>T variant in MT-TL1 gene is interpreted to be a Pathogenic variant based on the modified ACMG guidelines (unpublished). This variant meets the following evidence codes reported in the guidelines: PS3, PS5, PM7

OMIM
Classification: Pathogenic for MERRF SYNDROME. Last evaluated: 1998-03-01. Review status: no assertion criteria provided. Collection method: literature only. Allele origin: germline. Not counted in ClinVar's aggregate classification.

OMIM
Classification: Pathogenic for DIABETES MELLITUS, NONINSULIN-DEPENDENT, MATERNALLY TRANSMITTED. Last evaluated: 1998-03-01. Review status: no assertion criteria provided. Collection method: literature only. Allele origin: germline. Not counted in ClinVar's aggregate classification.

GeneReviews
No classification provided. Condition: MELAS syndrome. Review status: no classification provided. Collection method: literature only. Allele origin: maternal. Not counted in ClinVar's aggregate classification.

Literature cited by the submitters: PubMed 31965079 (cited by Wong Mito Lab, Molecular and Human Genetics, Baylor College of Medicine); PubMed 8254046 (cited by Wong Mito Lab, Molecular and Human Genetics, Baylor College of Medicine and OMIM); PubMed 7804130 (cited by Wong Mito Lab, Molecular and Human Genetics, Baylor College of Medicine and GeneReviews); PubMed 9506761 (cited by OMIM).

NC_012920.1(MT-TL1):m.3256C>T

Gene: MT-TL1 (mitochondrially encoded tRNA leucine 1 (UUA/G); plus strand).
Variant type: single nucleotide variant.
Genome position: chrM-3256-C-T.
Other names: 3256C-T.
Identifiers: ClinVar variation 9591 (VCV000009591.9), dbSNP rs199474659, ClinGen allele CA120561.